The following is an entry in ClinVar:

ClinVar aggregate classification (germline): Pathogenic/Likely pathogenic. Review status: criteria provided, multiple submitters, no conflicts (2 of 4 stars). 4 submissions from 4 submitters: Pathogenic (2); Likely pathogenic (1). 1 of the submissions does not count toward it. Last evaluated 2024-06-30.

Conditions:
PHGDH deficiency. Identifiers: Orphanet 79351, MedGen C1866174, MONDO:0011152, OMIM 601815.
Neu-Laxova syndrome 1 (NLS1). Identifiers: Orphanet 2671, Orphanet 583607, MedGen C4551478, MONDO:0009736, OMIM 256520. Disease mechanism: loss of function.

Allele frequency attached by ClinVar (database versions not stated): gnomAD exomes below 0.00001.

Submissions (4):

Natera, Inc.
Classification: Likely pathogenic for Phosphoglycerate dehydrogenase deficiency. Last evaluated: 2024-06-30. Review status: criteria provided, single submitter. Criteria: Natera Variant Classification Schema (03/2026). Collection method: clinical testing. Allele origin: germline.
Comment: The c.1A>C variant in PHGDH is predicted to result in start loss due to disruption of the initiator methionine. This variant is expected to result in nonsense mediated decay, truncation, or a dysfunctional protein product. This variant is rare in the general population with a frequency below the threshold expected for the associated phenotype(s). This variant has been observed in one or more individuals affected with the associated recessive disease, as either homozygous or compound heterozygous with a second variant (PMID: 30838783). Additionally, this variant has been observed to segregate in affected family members (PMID: 30838783). Given the available evidence, this variant is classified as Likely Pathogenic.

Fulgent Genetics
Classification: Pathogenic for Neu-Laxova syndrome 1; PHGDH deficiency. Last evaluated: 2024-05-31. Review status: criteria provided, single submitter. Criteria: ACMG Guidelines, 2015. Collection method: clinical testing. Allele origin: germline.

Labcorp Genetics (formerly Invitae), Labcorp
Classification: Pathogenic for PHGDH deficiency. Last evaluated: 2023-05-01. Review status: criteria provided, single submitter. Criteria: Invitae Variant Classification Sherloc (09022015). Collection method: clinical testing. Allele origin: germline.
Comment: Disruption of the initiator codon has been observed in individual(s) with Neu-Laxova syndrome (PMID: 30838783). It has also been observed to segregate with disease in related individuals. This sequence change affects the initiator methionine of the PHGDH mRNA. The next in-frame methionine is located at codon 96. This variant is not present in population databases (gnomAD no frequency). ClinVar contains an entry for this variant (Variation ID: 2169478). For these reasons, this variant has been classified as Pathogenic.

OMIM
Classification: Pathogenic for NEU-LAXOVA SYNDROME 1. Last evaluated: 2024-02-27. Review status: no assertion criteria provided. Collection method: literature only. Allele origin: germline. Not counted in ClinVar's aggregate classification.

Literature cited by the submitters: PubMed 30838783 (cited by 3 submitters).

NM_006623.4(PHGDH):c.1A>C (p.Met1Leu)

Gene: PHGDH (phosphoglycerate dehydrogenase; plus strand). Cytogenetic location: 1p12.
Variant type: single nucleotide variant.
Coding change: c.1A>C on transcript NM_006623.4 (MANE Select); coding-DNA position 1, A replaced by C.
Protein change: p.Met1Leu; changes the start codon (methionine 1).
Molecular consequence: missense variant, initiator codon variant.
Genome position (GRCh38, 1-based): chr1:119,712,023, A>C. VCF-style: chr1-119712023-A-C. GRCh37 (hg19) VCF-style: chr1-120254646-A-C.
Other names: short protein forms M1L.
Identifiers: ClinVar variation 2169478 (VCV002169478.9), dbSNP rs1331155296, ClinGen allele CA341414662.